The following is an entry in ClinVar:

NM_006431.3(CCT2):c.766G>A (p.Val256Ile)

Gene: CCT2 (chaperonin containing TCP1 subunit 2; plus strand). Cytogenetic location: 12q15.
Variant type: single nucleotide variant.
Coding change: c.766G>A on transcript NM_006431.3 (MANE Select); coding-DNA position 766, G replaced by A.
Protein change: p.Val256Ile; replaces valine 256 with isoleucine.
Molecular consequence: missense variant.
Genome position (GRCh38, 1-based): chr12:69,592,991, G>A. VCF-style: chr12-69592991-G-A. GRCh37 (hg19) VCF-style: chr12-69986771-G-A.
Other names: c.625G>A, p.Val209Ile (NM_001198842.2); short protein forms V209I, V256I.
Identifiers: ClinVar variation 1365281 (VCV001365281.6), dbSNP rs758705597, ClinGen allele CA6680683.

ClinVar aggregate classification (germline): Uncertain significance (1 of 4 stars; one submission).

Allele frequency attached by ClinVar (database versions not stated): gnomAD exomes below 0.00001; ExAC 0.00001.
gnomAD v4.1: 1 of 1,612,880 alleles (0.000062%); highest among the groups gnomAD compares: East Asian, 0.0022%; no homozygotes.

Submission:

Labcorp Genetics (formerly Invitae), Labcorp
Classification: Uncertain significance. Last evaluated: 2022-01-17. Review status: criteria provided, single submitter. Criteria: Invitae Variant Classification Sherloc (09022015). Collection method: clinical testing. Allele origin: germline.
Comment: This sequence change replaces valine, which is neutral and non-polar, with isoleucine, which is neutral and non-polar, at codon 256 of the CCT2 protein (p.Val256Ile). In summary, the available evidence is currently insufficient to determine the role of this variant in disease. Therefore, it has been classified as a Variant of Uncertain Significance. Algorithms developed to predict the effect of missense changes on protein structure and function (SIFT, PolyPhen-2, Align-GVGD) all suggest that this variant is likely to be tolerated. This variant has not been reported in the literature in individuals affected with CCT2-related conditions. This variant is present in population databases (rs758705597, gnomAD 0.0009%).